The following is an entry in ClinVar:

ClinVar aggregate classification (germline): Uncertain significance (1 of 4 stars; one submission).

Conditions:
Long QT syndrome (LQTS). Identifiers: MedGen C0023976, MeSH D008133, MONDO:0002442. Disease mechanism: loss of function. Inheritance: Various modes of inheritance.

Submission:

Labcorp Genetics (formerly Invitae), Labcorp
Classification: Uncertain significance for Long QT syndrome. Last evaluated: 2024-03-01. Review status: criteria provided, single submitter. Criteria: Invitae Variant Classification Sherloc (09022015). Collection method: clinical testing. Allele origin: germline.
Comment: This variant, c.1631_1636del, results in the deletion of 2 amino acid(s) of the AKAP9 protein (p.Ile544_Gln545del), but otherwise preserves the integrity of the reading frame. This variant is present in population databases (rs753868414, gnomAD 0.002%). This variant has not been reported in the literature in individuals affected with AKAP9-related conditions. Experimental studies and prediction algorithms are not available or were not evaluated, and the functional significance of this variant is currently unknown. In summary, the available evidence is currently insufficient to determine the role of this variant in disease. Therefore, it has been classified as a Variant of Uncertain Significance.

NM_005751.5(AKAP9):c.1631_1636del (p.Ile544_Gln545del)

Gene: AKAP9 (A-kinase anchoring protein 9; plus strand). Cytogenetic location: 7q21.2.
Variant type: Deletion.
Coding change: c.1631_1636del on transcript NM_005751.5 (MANE Select); coding-DNA positions 1631 to 1636, 6 bases deleted (TTCAGA; older notation c.1631_1636delTTCAGA).
Protein change: p.Ile544_Gln545del.
Molecular consequence: inframe deletion.
Genome position (GRCh38, 1-based): chr7:92,001,548-92,001,553, TTCAGA deleted; deleting any 6 consecutive bases within chr7:92,001,544-92,001,553 gives the same sequence; the c. name uses the placement nearest the transcript's 3' end. VCF-style (leftmost placement, unchanged base first): chr7-92001543-ACAGATT-A. GRCh37 (hg19) VCF-style: chr7-91630857-ACAGATT-A.
Other names: c.1631_1636del, p.Ile544_Gln545del (NM_147185.3).
Identifiers: ClinVar variation 3626918 (VCV003626918.2).